The following is an entry in ClinVar:

NM_001378454.1(ALMS1):c.2558T>A (p.Val853Glu)

Gene: ALMS1 (ALMS1 centrosome and basal body associated protein; plus strand). Cytogenetic location: 2p13.1.
Variant type: single nucleotide variant.
Coding change: c.2558T>A on transcript NM_001378454.1 (MANE Select); coding-DNA position 2558, T replaced by A.
Protein change: p.Val853Glu; replaces valine 853 with glutamic acid.
Molecular consequence: missense variant.
Genome position (GRCh38, 1-based): chr2:73,449,085, T>A. VCF-style: chr2-73449085-T-A. GRCh37 (hg19) VCF-style: chr2-73676212-T-A.
Other names: c.2561T>A, p.Val854Glu (NM_015120.4); short protein forms V854E, V853E.
Identifiers: ClinVar variation 4275288 (VCV004275288.1).

ClinVar aggregate classification (germline): Uncertain significance (1 of 4 stars; one submission).

Conditions:
Cardiovascular phenotype. Identifiers: MedGen CN230736.

Submission:

Ambry Genetics
Classification: Uncertain significance for Cardiovascular phenotype. Last evaluated: 2025-08-27. Review status: criteria provided, single submitter. Criteria: Ambry Variant Classification Scheme 2023. Collection method: clinical testing. Allele origin: germline.
Comment: The p.V854E variant (also known as c.2561T>A), located in coding exon 8 of the ALMS1 gene, results from a T to A substitution at nucleotide position 2561. The valine at codon 854 is replaced by glutamic acid, an amino acid with dissimilar properties. This amino acid position is not well conserved in available vertebrate species. In addition, this alteration is predicted to be tolerated by in silico analysis. Based on the available evidence, the clinical significance of this variant remains unclear.